The following is an entry in ClinVar:

NM_001466.4(FZD2):c.549G>C (p.Pro183=)

Gene: FZD2 (frizzled class receptor 2; plus strand). Cytogenetic location: 17q21.31.
Variant type: single nucleotide variant.
Coding change: c.549G>C on transcript NM_001466.4 (MANE Select); coding-DNA position 549, G replaced by C.
Protein change: p.Pro183=; no amino-acid change (proline 183 retained).
Molecular consequence: synonymous variant.
Genome position (GRCh38, 1-based): chr17:44,558,237, G>C. VCF-style: chr17-44558237-G-C. GRCh37 (hg19) VCF-style: chr17-42635605-G-C.
Identifiers: ClinVar variation 3056809 (VCV003056809.2), dbSNP rs2544583916, ClinGen allele CA500627133.

ClinVar aggregate classification (germline): Likely benign (0 of 4 stars; one submission).

Conditions:
FZD2-related disorder. Also called: FZD2-related condition.

Submission:

PreventionGenetics, part of Exact Sciences
Classification: Likely benign for FZD2-related condition. Last evaluated: 2019-04-30. Review status: no assertion criteria provided. Collection method: clinical testing. Allele origin: germline.
Comment: This variant is classified as likely benign based on ACMG/AMP sequence variant interpretation guidelines (Richards et al. 2015 PMID: 25741868, with internal and published modifications).